The following is an entry in ClinVar:

NM_003172.4(SURF1):c.812A>G (p.His271Arg)

Gene: SURF1 (SURF1 cytochrome c oxidase assembly factor; minus strand). Cytogenetic location: 9q34.2.
Variant type: single nucleotide variant.
Coding change: c.812A>G on transcript NM_003172.4 (MANE Select); coding-DNA position 812, A replaced by G.
Protein change: p.His271Arg; replaces histidine 271 with arginine.
Molecular consequence: missense variant.
Genome position (GRCh38, 1-based): chr9:133,352,082, T>C on the plus strand (A>G on the coding strand, the complement: SURF1 is on the minus strand). VCF-style: chr9-133352082-T-C. GRCh37 (hg19) VCF-style: chr9-136218937-T-C.
Other names: c.485A>G, p.His162Arg (NM_001280787.1); short protein forms H271R, H162R.
Identifiers: ClinVar variation 2585590 (VCV002585590.1), dbSNP rs2490613584, ClinGen allele CA375693466.

ClinVar aggregate classification (germline): Uncertain significance (1 of 4 stars; one submission).

Conditions:
Mitochondrial complex IV deficiency, nuclear type 1 (MC4DN1). Also called: COX DEFICIENCY; Mitochondrial complex IV deficiency; Complex 4 mitochondrial respiratory chain deficiency; Deficiency of mitochondrial respiratory chain complex4; Complex IV deficiency. Identifiers: MedGen C5435656, MONDO:0700250, OMIM 220110. Disease mechanism: loss of function.

Allele frequency attached by ClinVar (database versions not stated): gnomAD exomes below 0.00001.

Submission:

Neuberg Centre For Genomic Medicine, NCGM
Classification: Uncertain significance for Mitochondrial complex IV deficiency, nuclear type 1. Review status: criteria provided, single submitter. Criteria: ACMG Guidelines, 2015. Collection method: clinical testing. Allele origin: germline. Inheritance: Autosomal recessive inheritance. Affected: yes.
Comment: The missense variant c.812A>G (p.His271Arg) in SURF1 gene has not been reported previously as a pathogenic variant nor as a benign variant, to our knowledge. This variant is novel (not in any individuals) in gnomAD Exomes and 1000 Genomes. The amino acid Histidine at position 271 is changed to a Arginine changing protein sequence and it might alter its composition and physico-chemical properties. The residue is conserved across species. For these reasons, this variant has been classified as Uncertain Significance.